The following is an entry in ClinVar:

NC_000013.10:g.(?_48937921)_(48942750_?)del

Gene: RB1 (RB transcriptional corepressor 1; plus strand). Cytogenetic location: 13q14.2.
Variant type: Deletion.
Identifiers: ClinVar variation 1071013 (VCV001071013.5).

ClinVar aggregate classification (germline): Pathogenic (1 of 4 stars; one submission).

Conditions:
Retinoblastoma (RB1). Also called: RETINOBLASTOMA, SOMATIC. Identifiers: Orphanet 790, MedGen C0035335, MeSH D012175, MONDO:0008380, OMIM 180200, HP:0009919. Disease mechanism: loss of function. Inheritance: Both sporadic and heritable forms are tested..

Submission:

Labcorp Genetics (formerly Invitae), Labcorp
Classification: Pathogenic for Retinoblastoma. Last evaluated: 2020-06-23. Review status: criteria provided, single submitter. Criteria: Invitae Variant Classification Sherloc (09022015). Collection method: clinical testing. Allele origin: germline.
Comment: For these reasons, this variant has been classified as Pathogenic. Loss-of-function variants in RB1 are known to be pathogenic (PMID: 17096365). This variant has not been reported in the literature in individuals with RB1-related conditions. This variant is an out-of-frame deletion of the genomic region encompassing exon(s) 9-11 of the RB1 gene. This is expected to create a premature translational stop signal and result in an absent or disrupted protein product.

Literature cited by the submitters: PubMed 17096365.